The following is an entry in ClinVar:

ClinVar aggregate classification (germline): Uncertain significance (1 of 4 stars; one submission).

Allele frequency attached by ClinVar (database versions not stated): TOPMed below 0.00001.

Submission:

GeneDx
Classification: Uncertain significance. Last evaluated: 2023-02-01. Review status: criteria provided, single submitter. Criteria: GeneDx Variant Classification Process June 2021. Collection method: clinical testing. Allele origin: germline. Affected: yes.
Comment: Not observed at significant frequency in large population cohorts (gnomAD); In silico analysis supports that this missense variant has a deleterious effect on protein structure/function; Has not been previously published as pathogenic or benign to our knowledge

NM_003922.4(HERC1):c.2590C>T (p.Leu864Phe)

Gene: HERC1 (HECT and RLD domain containing E3 ubiquitin protein ligase family member 1; minus strand). Cytogenetic location: 15q22.31.
Variant type: single nucleotide variant.
Coding change: c.2590C>T on transcript NM_003922.4 (MANE Select); coding-DNA position 2590, C replaced by T.
Protein change: p.Leu864Phe; replaces leucine 864 with phenylalanine.
Molecular consequence: missense variant.
Genome position (GRCh38, 1-based): chr15:63,734,780, G>A on the plus strand (C>T on the coding strand, the complement: HERC1 is on the minus strand). VCF-style: chr15-63734780-G-A. GRCh37 (hg19) VCF-style: chr15-64026979-G-A.
Other names: short protein forms L864F.
Identifiers: ClinVar variation 2574820 (VCV002574820.1), dbSNP rs1162360779, ClinGen allele CA392761179.